The following is an entry in ClinVar:

NM_000245.4(MET):c.1071G>A (p.Met357Ile)

Gene: MET (MET proto-oncogene, receptor tyrosine kinase; plus strand). Cytogenetic location: 7q31.2.
Variant type: single nucleotide variant.
Coding change: c.1071G>A on transcript NM_000245.4 (MANE Select); coding-DNA position 1071, G replaced by A.
Protein change: p.Met357Ile; replaces methionine 357 with isoleucine.
Molecular consequence: missense variant. On other transcripts: intron variant (1).
Genome position (GRCh38, 1-based): chr7:116,700,155, G>A. VCF-style: chr7-116700155-G-A. GRCh37 (hg19) VCF-style: chr7-116340209-G-A.
Other names: c.1071G>A, p.Met357Ile (NM_001127500.3, NM_001324401.3); c.-91+27578G>A (NM_001324402.2); short protein forms M357I.
Identifiers: ClinVar variation 657196 (VCV000657196.10), dbSNP rs1246645896, ClinGen allele CA368970476.
Genomic context (GRCh38, chr7:116,700,155, plus strand): 5'-GAATGATGACATTCTTTTCGGGGTGTTCGCACAAAGCAAGCCAGATTCTGCCGAACCAAT[G>A]GATCGATCTGCCATGTGTGCATTCCCTATCAAATATGTCAACGACTTCTTCAACAAGATC-3'
Protein context (NP_000236.2, residues 347-367): AQSKPDSAEP[Met357Ile]DRSAMCAFPI

ClinVar aggregate classification (germline): Uncertain significance (1 of 4 stars; one submission).

Conditions:
Renal cell carcinoma. Identifiers: Orphanet 217071, MedGen C0007134, MeSH D002292, MONDO:0005086, HP:0005584.

Submission:

Labcorp Genetics (formerly Invitae), Labcorp
Classification: Uncertain significance for Renal cell carcinoma. Last evaluated: 2019-10-29. Review status: criteria provided, single submitter. Criteria: Invitae Variant Classification Sherloc (09022015). Collection method: clinical testing. Allele origin: germline.
Comment: Algorithms developed to predict the effect of sequence changes on RNA splicing suggest that this variant may create or strengthen a splice site, but this prediction has not been confirmed by published transcriptional studies. Algorithms developed to predict the effect of missense changes on protein structure and function (SIFT, PolyPhen-2, Align-GVGD) all suggest that this variant is likely to be tolerated, but these predictions have not been confirmed by published functional studies and their clinical significance is uncertain. This variant has not been reported in the literature in individuals with MET-related conditions. This variant is not present in population databases (ExAC no frequency). This sequence change replaces methionine with isoleucine at codon 357 of the MET protein (p.Met357Ile). The methionine residue is weakly conserved and there is a small physicochemical difference between methionine and isoleucine. In summary, the available evidence is currently insufficient to determine the role of this variant in disease. Therefore, it has been classified as a Variant of Uncertain Significance.